The following is an entry in ClinVar:

NM_024753.5(TTC21B):c.2531T>A (p.Met844Lys)

Gene: TTC21B (tetratricopeptide repeat domain 21B; minus strand). Cytogenetic location: 2q24.3.
Variant type: single nucleotide variant.
Coding change: c.2531T>A on transcript NM_024753.5 (MANE Select); coding-DNA position 2531, T replaced by A.
Protein change: p.Met844Lys; replaces methionine 844 with lysine.
Molecular consequence: missense variant.
Genome position (GRCh38, 1-based): chr2:165,907,715, A>T on the plus strand (T>A on the coding strand, the complement: TTC21B is on the minus strand). VCF-style: chr2-165907715-A-T. GRCh37 (hg19) VCF-style: chr2-166764225-A-T.
Other names: short protein forms M844K.
Identifiers: ClinVar variation 4991598 (VCV004991598.1).

ClinVar aggregate classification (germline): Uncertain significance (1 of 4 stars; one submission).

Conditions:
TTC21B-related disorder. Also called: TTC21B-related disorders; TTC21B-related condition.

Submission:

PreventionGenetics, part of Exact Sciences
Classification: Uncertain significance for TTC21B-related condition. Last evaluated: 2026-09-07. Review status: criteria provided, single submitter. Criteria: ACMG Guidelines, 2015. Collection method: clinical testing. Allele origin: germline.
Comment: The TTC21B c.2531T>A variant is predicted to result in the amino acid substitution p.Met844Lys. To our knowledge, this variant has not been reported in the literature or in a large population database (gnomAD), indicating this variant is rare. At this time, the clinical significance of this variant is uncertain due to the absence of conclusive functional and genetic evidence.